The following is an entry in ClinVar:

NM_003356.4(UCP3):c.261C>T (p.Arg87=)

Gene: UCP3 (uncoupling protein 3; minus strand). Cytogenetic location: 11q13.4.
Variant type: single nucleotide variant.
Coding change: c.261C>T on transcript NM_003356.4 (MANE Select); coding-DNA position 261, C replaced by T.
Protein change: p.Arg87=; no amino-acid change (arginine 87 retained).
Molecular consequence: synonymous variant.
Genome position (GRCh38, 1-based): chr11:74,006,245, G>A on the plus strand (C>T on the coding strand, the complement: UCP3 is on the minus strand). VCF-style: chr11-74006245-G-A. GRCh37 (hg19) VCF-style: chr11-73717290-G-A.
Other names: c.261C>T, p.Arg87= (NM_022803.3).
Identifiers: ClinVar variation 4982364 (VCV004982364.1).

ClinVar aggregate classification (germline): Likely benign (1 of 4 stars; one submission).

Conditions:
UCP3-related disorder. Also called: UCP3-related condition.

Submission:

PreventionGenetics, part of Exact Sciences
Classification: Likely benign for UCP3-related condition. Last evaluated: 2024-10-20. Review status: criteria provided, single submitter. Criteria: ACMG Guidelines, 2015. Collection method: clinical testing. Allele origin: germline.
Comment: This variant is classified as likely benign based on ACMG/AMP sequence variant interpretation guidelines (Richards et al. 2015 PMID: 25741868, with internal and published modifications).